The following is an entry in ClinVar:

ClinVar aggregate classification (germline): Conflicting classifications of pathogenicity. Review status: criteria provided, conflicting classifications (1 of 4 stars). 2 submissions from 2 submitters: Likely pathogenic (1); Uncertain significance (1). Last evaluated 2025-03-10.

Conditions:
Inborn genetic diseases. Identifiers: MedGen C0950123, MeSH D030342.

Submissions (2):

Ambry Genetics
Classification: Likely pathogenic for Inborn genetic diseases. Last evaluated: 2025-03-10. Review status: criteria provided, single submitter. Criteria: Ambry Variant Classification Scheme 2023. Collection method: clinical testing. Allele origin: germline.
Comment: The c.1783G>T (p.G595C) alteration is located in exon 14 (coding exon 14) of the FBXO11 gene. This alteration results from a G to T substitution at nucleotide position 1783, causing the glycine (G) at amino acid position 595 to be replaced by a cysteine (C). This variant was not reported in population-based cohorts in the Genome Aggregation Database (gnomAD). This amino acid position is highly conserved in available vertebrate species. This missense alteration is located in a region that has a low rate of benign missense variation (Lek, 2016; Firth, 2009). This alteration is predicted to be deleterious by in silico analysis. Based on the available evidence, this alteration is classified as likely pathogenic.

Dasa
Classification: Uncertain significance. Last evaluated: 2025-02-07. Review status: criteria provided, single submitter. Criteria: DASA Assertion Criteria. Collection method: clinical testing. Allele origin: germline.
Comment: NM_001190274.2(FBXO11):c.1783G>T (p.Gly595Cys) is a missense variant that results in the substitution of glycine with cysteine. This variant is absent from population databases. Computational prediction algorithms are consistent with a deleterious effect. The currently available literature and clinical evidence are not sufficient to establish a definitive association between this variant and the reported condition. Therefore, this variant is classified as a variant of uncertain significance.

NM_001190274.2(FBXO11):c.1783G>T (p.Gly595Cys)

Gene: FBXO11 (F-box protein 11; minus strand). Cytogenetic location: 2p16.3.
Variant type: single nucleotide variant.
Coding change: c.1783G>T on transcript NM_001190274.2 (MANE Select); coding-DNA position 1783, G replaced by T.
Protein change: p.Gly595Cys; replaces glycine 595 with cysteine.
Molecular consequence: missense variant.
Genome position (GRCh38, 1-based): chr2:47,820,376, C>A on the plus strand (G>T on the coding strand, the complement: FBXO11 is on the minus strand). VCF-style: chr2-47820376-C-A. GRCh37 (hg19) VCF-style: chr2-48047515-C-A.
Other names: c.1531G>T, p.Gly511Cys (NM_001374325.1, NM_025133.4); short protein forms G595C, G511C.
Identifiers: ClinVar variation 3513903 (VCV003513903.4).